The following is an entry in ClinVar:

ClinVar aggregate classification (germline): Conflicting classifications of pathogenicity. Review status: criteria provided, conflicting classifications (1 of 4 stars). 2 submissions from 2 submitters: Uncertain significance (1); Likely benign (1). Last evaluated 2025-03-26.

Conditions:
Hereditary cancer-predisposing syndrome. Also called: Hereditary Cancer Syndrome; Hereditary neoplastic syndrome; Neoplastic Syndromes, Hereditary; Tumor predisposition. Identifiers: Orphanet 140162, MedGen C0027672, MeSH D009386, MONDO:0015356.
Peutz-Jeghers syndrome (PJS). Also called: POLYPOSIS, HAMARTOMATOUS INTESTINAL; POLYPS-AND-SPOTS SYNDROME; Peutz-Jeghers polyposis; Periorificial lentiginosis syndrome. Identifiers: Orphanet 2869, MedGen C0031269, MeSH D010580, MONDO:0008280, OMIM 175200.

Submissions (2):

Myriad Genetics, Inc.
Classification: Likely benign for Peutz-Jeghers syndrome. Last evaluated: 2025-03-26. Review status: criteria provided, single submitter. Criteria: Myriad Autosomal Dominant, Autosomal Recessive and X-Linked Classification Criteria (2023). Collection method: clinical testing. Allele origin: unknown.
Comment: This variant is considered likely benign. This variant is intronic and is not expected to impact mRNA splicing.

Color Diagnostics, LLC DBA Color Health
Classification: Uncertain significance for Hereditary cancer-predisposing syndrome. Last evaluated: 2018-12-11. Review status: criteria provided, single submitter. Criteria: ACMG Guidelines, 2015. Collection method: clinical testing. Allele origin: germline.

NM_000455.5(STK11):c.465-11G>A

Gene: STK11 (serine/threonine kinase 11; plus strand). Cytogenetic location: 19p13.3.
Variant type: single nucleotide variant.
Coding change: c.465-11G>A on transcript NM_000455.5 (MANE Select); 11 bases into the intron before coding-DNA position 465, G replaced by A.
Molecular consequence: intron variant.
Genome position (GRCh38, 1-based): chr19:1,220,362, G>A. VCF-style: chr19-1220362-G-A. GRCh37 (hg19) VCF-style: chr19-1220361-G-A.
Identifiers: ClinVar variation 923992 (VCV000923992.3), dbSNP rs2080773735, ClinGen allele CA913188980.
Genomic context (GRCh38, chr19:1,220,362, plus strand): 5'-GCAGCTGCAAAGGGGACCCCTGTGAGGGGCAGGGAGGCCTCGGCCCCAGGACGGGTGTGT[G>A]CTGCCCGCAGGTACTTCTGTCAGCTGATTGACGGCCTGGAGTACCTGCATAGCCAGGGCA-3'